The following is an entry in ClinVar:

ClinVar aggregate classification (germline): Conflicting classifications of pathogenicity. Review status: criteria provided, conflicting classifications (1 of 4 stars). 4 submissions from 4 submitters: Uncertain significance (2); Benign (1). 1 of the submissions does not count toward it. Last evaluated 2026-02-04.

Conditions:
Fraser syndrome 2 (FRASRS2). Identifiers: MedGen C4540036, MONDO:0054738, OMIM 617666.
FREM2-related disorder. Also called: FREM2-related condition.

Allele frequency attached by ClinVar (database versions not stated): gnomAD exomes 0.00059 and 0.00127; TOPMed 0.00074; ExAC 0.00088; ESP Exome Variant Server 0.00115.
gnomAD v4.1: 1,045 of 1,614,000 alleles (0.065%); highest among the groups gnomAD compares: Non-Finnish European, 0.012%; 12 homozygotes.

Submissions (4):

Labcorp Genetics (formerly Invitae), Labcorp
Classification: Benign. Last evaluated: 2026-02-04. Review status: criteria provided, single submitter. Criteria: Invitae Variant Classification Sherloc (09022015). Collection method: clinical testing. Allele origin: germline.

Illumina Laboratory Services, Illumina
Classification: Uncertain significance for Fraser syndrome 2. Last evaluated: 2018-01-13. Review status: criteria provided, single submitter. Criteria: ICSL Variant Classification Criteria 13 December 2019. Collection method: clinical testing. Allele origin: germline.

Eurofins Ntd Llc (ga)
Classification: Uncertain significance. Last evaluated: 2014-09-30. Review status: criteria provided, single submitter. Criteria: EGL Classification Definitions 2015. Collection method: clinical testing. Allele origin: germline.

PreventionGenetics, part of Exact Sciences
Classification: Likely benign for FREM2-related condition. Last evaluated: 2020-04-15. Review status: no assertion criteria provided. Collection method: clinical testing. Allele origin: germline. Not counted in ClinVar's aggregate classification.
Comment: This variant is classified as likely benign based on ACMG/AMP sequence variant interpretation guidelines (Richards et al. 2015 PMID: 25741868, with internal and published modifications).

NM_207361.6(FREM2):c.2740T>G (p.Cys914Gly)

Gene: FREM2 (FRAS1 related extracellular matrix 2; plus strand). Cytogenetic location: 13q13.3.
Variant type: single nucleotide variant.
Coding change: c.2740T>G on transcript NM_207361.6 (MANE Select); coding-DNA position 2740, T replaced by G.
Protein change: p.Cys914Gly; replaces cysteine 914 with glycine.
Molecular consequence: missense variant.
Genome position (GRCh38, 1-based): chr13:38,690,084, T>G. VCF-style: chr13-38690084-T-G. GRCh37 (hg19) VCF-style: chr13-39264221-T-G.
Other names: short protein forms C914G.
Identifiers: ClinVar variation 193524 (VCV000193524.20), dbSNP rs146685625, ClinGen allele CA239063.